The following is an entry in ClinVar:

ClinVar aggregate classification (germline): Likely pathogenic (1 of 4 stars; one submission).

Submission:

Mayo Clinic Laboratories, Mayo Clinic
Classification: Likely pathogenic. Last evaluated: 2025-12-04. Review status: criteria provided, single submitter. Criteria: ACMG Guidelines, 2015. Collection method: clinical testing. Allele origin: germline. Observed: 1 variant allele.
Comment: PP4, PM1, PM2_supporting, PM4

Literature cited by the submitters: PubMed 17979873; PubMed 38332368.

NM_000388.4(CASR):c.2190_2207del (p.Cys731_Ile736del)

Gene: CASR (calcium sensing receptor; plus strand). Cytogenetic location: 3q21.1.
Variant type: Deletion.
Coding change: c.2190_2207del on transcript NM_000388.4 (MANE Select); coding-DNA positions 2190 to 2207, 18 bases deleted (CTGCACCTTCATGCAGAT).
Protein change: p.Cys731_Ile736del.
Molecular consequence: inframe deletion.
Genome position (GRCh38, 1-based): chr3:122,284,144-122,284,161, CTGCACCTTCATGCAGAT deleted; deleting any 18 consecutive bases within chr3:122,284,143-122,284,161 gives the same sequence; the c. name uses the placement nearest the transcript's 3' end. VCF-style (leftmost placement, unchanged base first): chr3-122284142-CTCTGCACCTTCATGCAGA-C. GRCh37 (hg19) VCF-style: chr3-122002989-CTCTGCACCTTCATGCAGA-C.
Other names: p.Cys731_Ile736del; c.2220_2237del, p.Cys741_Ile746del (NM_001178065.2).
Identifiers: ClinVar variation 4540916 (VCV004540916.1).